The following is an entry in ClinVar:

NM_000256.3(MYBPC3):c.3596T>C (p.Met1199Thr)

Gene: MYBPC3 (myosin binding protein C3; minus strand). Cytogenetic location: 11p11.2.
Variant type: single nucleotide variant.
Coding change: c.3596T>C on transcript NM_000256.3 (MANE Select); coding-DNA position 3596, T replaced by C.
Protein change: p.Met1199Thr; replaces methionine 1199 with threonine.
Molecular consequence: missense variant.
Genome position (GRCh38, 1-based): chr11:47,332,597, A>G on the plus strand (T>C on the coding strand, the complement: MYBPC3 is on the minus strand). VCF-style: chr11-47332597-A-G. GRCh37 (hg19) VCF-style: chr11-47354148-A-G.
Other names: short protein forms M1199T.
Identifiers: ClinVar variation 2144052 (VCV002144052.5), dbSNP rs2495737863, ClinGen allele CA380312386.

ClinVar aggregate classification (germline): Uncertain significance. Review status: criteria provided, multiple submitters, no conflicts (2 of 4 stars). 2 submissions from 2 submitters: Uncertain significance (2). Last evaluated 2023-03-15.

Conditions:
Cardiomyopathy (CMYO). Also called: Cardiomyopathies. Identifiers: Orphanet 167848, MedGen C0878544, MONDO:0004994, HP:0001638. Inheritance: Various modes of inheritance.
Hypertrophic cardiomyopathy. Also called: HYPERTROPHIC MYOCARDIOPATHY. Identifiers: Orphanet 217569, MedGen C0007194, MeSH D002312, MONDO:0005045, HP:0001639.

Submissions (2):

Color Diagnostics, LLC DBA Color Health
Classification: Uncertain significance for Cardiomyopathy. Last evaluated: 2023-03-15. Review status: criteria provided, single submitter. Criteria: ACMG Guidelines, 2015. Collection method: clinical testing. Allele origin: germline.
Comment: This missense variant replaces methionine with threonine at codon 1199 of the MYBPC3 protein. Computational prediction suggests that this variant may not impact protein structure and function (internally defined REVEL score threshold <= 0.5, PMID: 27666373). To our knowledge, functional studies have not been reported for this variant. This variant has not been reported in individuals affected with MYBPC3-related disorders in the literature. This variant has not been identified in the general population by the Genome Aggregation Database (gnomAD). The available evidence is insufficient to determine the role of this variant in disease conclusively. Therefore, this variant is classified as a Variant of Uncertain Significance.

Labcorp Genetics (formerly Invitae), Labcorp
Classification: Uncertain significance for Hypertrophic cardiomyopathy. Last evaluated: 2022-04-06. Review status: criteria provided, single submitter. Criteria: Invitae Variant Classification Sherloc (09022015). Collection method: clinical testing. Allele origin: germline.
Comment: In summary, the available evidence is currently insufficient to determine the role of this variant in disease. Therefore, it has been classified as a Variant of Uncertain Significance. Algorithms developed to predict the effect of missense changes on protein structure and function output the following: SIFT: "Tolerated"; PolyPhen-2: "Benign"; Align-GVGD: "Class C0". The threonine amino acid residue is found in multiple mammalian species, which suggests that this missense change does not adversely affect protein function. This variant has not been reported in the literature in individuals affected with MYBPC3-related conditions. This variant is not present in population databases (gnomAD no frequency). This sequence change replaces methionine, which is neutral and non-polar, with threonine, which is neutral and polar, at codon 1199 of the MYBPC3 protein (p.Met1199Thr).